The following is an entry in ClinVar:

NM_003051.4(SLC16A1):c.978A>T (p.Arg326Ser)

Gene: SLC16A1 (solute carrier family 16 member 1; minus strand). Cytogenetic location: 1p13.2.
Variant type: single nucleotide variant.
Coding change: c.978A>T on transcript NM_003051.4 (MANE Select); coding-DNA position 978, A replaced by T.
Protein change: p.Arg326Ser; replaces arginine 326 with serine.
Molecular consequence: missense variant.
Genome position (GRCh38, 1-based): chr1:112,917,428, T>A on the plus strand (A>T on the coding strand, the complement: SLC16A1 is on the minus strand). VCF-style: chr1-112917428-T-A. GRCh37 (hg19) VCF-style: chr1-113460050-T-A.
Other names: c.978A>T, p.Arg326Ser (NM_001166496.2); short protein forms R326S.
Identifiers: ClinVar variation 3660096 (VCV003660096.2).
Genomic context (GRCh38, chr1:112,917,428, plus strand): 5'-TAGCATATGACACACTCCATTTGCAACAACGGAAGCCGCAAAGAAATACTGAATTCGAGG[T>A]CTTATTGGCTTTGTGTTGGCTACAAGTCCCATAGATGGTCGGGCTACCATGTCAACAAAA-3'
Protein context (NP_003042.3, residues 316-336): MGLVANTKPI[Arg326Ser]PRIQYFFAAS

ClinVar aggregate classification (germline): Uncertain significance (1 of 4 stars; one submission).

gnomAD v4.1: 3 of 1,614,100 alleles (0.00019%); highest among the groups gnomAD compares: Non-Finnish European, 0.00025%; no homozygotes.

Submission:

Labcorp Genetics (formerly Invitae), Labcorp
Classification: Uncertain significance. Last evaluated: 2024-07-21. Review status: criteria provided, single submitter. Criteria: Invitae Variant Classification Sherloc (09022015). Collection method: clinical testing. Allele origin: germline.
Comment: This sequence change replaces arginine, which is basic and polar, with serine, which is neutral and polar, at codon 326 of the SLC16A1 protein (p.Arg326Ser). This variant is not present in population databases (gnomAD no frequency). This variant has not been reported in the literature in individuals affected with SLC16A1-related conditions. An algorithm developed to predict the effect of missense changes on protein structure and function (PolyPhen-2) suggests that this variant is likely to be disruptive. In summary, the available evidence is currently insufficient to determine the role of this variant in disease. Therefore, it has been classified as a Variant of Uncertain Significance.